The following is an entry in ClinVar:

NM_000095.3(COMP):c.1268A>C (p.His423Pro)

Gene: COMP (cartilage oligomeric matrix protein; minus strand). Cytogenetic location: 19p13.11.
Variant type: single nucleotide variant.
Coding change: c.1268A>C on transcript NM_000095.3 (MANE Select); coding-DNA position 1268, A replaced by C.
Protein change: p.His423Pro; replaces histidine 423 with proline.
Molecular consequence: missense variant.
Genome position (GRCh38, 1-based): chr19:18,786,278, T>G on the plus strand (A>C on the coding strand, the complement: COMP is on the minus strand). VCF-style: chr19-18786278-T-G. GRCh37 (hg19) VCF-style: chr19-18897088-T-G.
Other names: c.1268A>C (NM_000095.2); short protein forms H423P.
Identifiers: ClinVar variation 1498061 (VCV001498061.9), dbSNP rs1568554985, ClinGen allele CA404885967.
Genomic context (GRCh38, chr19:18,786,278, plus strand): 5'-CACCCCAGGTGGCCTCCTTACTGGTCTTGATCGCTGTCACAAGCATCTCCCACAAAGTCG[T>G]GGTCCACATCCGCCTGCGGAGGGCAGCATGCGGGGGTCCATAATCAGACAGAGGAAATCA-3'
Protein context (NP_000086.2, residues 413-433): KSNPDQADVD[His423Pro]DFVGDACDSD

ClinVar aggregate classification (germline): Uncertain significance. Review status: criteria provided, multiple submitters, no conflicts (2 of 4 stars). 2 submissions from 2 submitters: Uncertain significance (2). Last evaluated 2024-12-19.

Submissions (2):

GeneDx
Classification: Uncertain significance. Last evaluated: 2024-12-19. Review status: criteria provided, single submitter. Criteria: GeneDx Variant Classification Process June 2021. Collection method: clinical testing. Allele origin: germline. Affected: yes.
Comment: Not observed at significant frequency in large population cohorts (gnomAD); In silico analysis supports that this missense variant has a deleterious effect on protein structure/function; Has not been previously published as pathogenic or benign to our knowledge

Labcorp Genetics (formerly Invitae), Labcorp
Classification: Uncertain significance. Last evaluated: 2021-06-12. Review status: criteria provided, single submitter. Criteria: Invitae Variant Classification Sherloc (09022015). Collection method: clinical testing. Allele origin: germline.
Comment: This sequence change replaces histidine with proline at codon 423 of the COMP protein (p.His423Pro). The histidine residue is highly conserved and there is a moderate physicochemical difference between histidine and proline. This variant is not present in population databases (ExAC no frequency). This variant has not been reported in the literature in individuals with COMP-related conditions. Advanced modeling of protein sequence and biophysical properties (such as structural, functional, and spatial information, amino acid conservation, physicochemical variation, residue mobility, and thermodynamic stability) performed at Invitae indicates that this missense variant is not expected to disrupt COMP protein function. In summary, the available evidence is currently insufficient to determine the role of this variant in disease. Therefore, it has been classified as a Variant of Uncertain Significance.